The following is an entry in ClinVar:

NM_152564.5(VPS13B):c.9186A>T (p.Leu3062Phe)

Gene: VPS13B (vacuolar protein sorting 13 homolog B; plus strand). Cytogenetic location: 8q22.2.
Variant type: single nucleotide variant.
Coding change: c.9186A>T on transcript NM_152564.5 (MANE Select); coding-DNA position 9186, A replaced by T.
Protein change: p.Leu3062Phe; replaces leucine 3062 with phenylalanine.
Molecular consequence: missense variant.
Genome position (GRCh38, 1-based): chr8:99,823,834, A>T. VCF-style: chr8-99823834-A-T. GRCh37 (hg19) VCF-style: chr8-100836062-A-T.
Other names: c.9261A>T, p.Leu3087Phe (NM_017890.5); short protein forms L3062F, L3087F.
Identifiers: ClinVar variation 859720 (VCV000859720.8), dbSNP rs984224710, ClinGen allele CA371779708.

ClinVar aggregate classification (germline): Uncertain significance (1 of 4 stars; one submission).

Conditions:
Cohen syndrome (COH1). Also called: PEPPER SYNDROME; Cutis verticis gyrata, retinitis pigmentosa, and sensorineural deafness. Identifiers: Orphanet 193, MedGen C0265223, MONDO:0008999, OMIM 216550.

gnomAD v4.1: 1 of 1,613,392 alleles (0.000062%); highest among the groups gnomAD compares: Non-Finnish European, 0.000085%; no homozygotes.

Submission:

Labcorp Genetics (formerly Invitae), Labcorp
Classification: Uncertain significance for Cohen syndrome. Last evaluated: 2019-05-29. Review status: criteria provided, single submitter. Criteria: Invitae Variant Classification Sherloc (09022015). Collection method: clinical testing. Allele origin: germline.
Comment: In summary, the available evidence is currently insufficient to determine the role of this variant in disease. Therefore, it has been classified as a Variant of Uncertain Significance. Algorithms developed to predict the effect of missense changes on protein structure and function output the following: SIFT: "Tolerated"; PolyPhen-2: "Benign"; Align-GVGD: "Class C0". The phenylalanine amino acid residue is found in multiple mammalian species, suggesting that this missense change does not adversely affect protein function. These predictions have not been confirmed by published functional studies and their clinical significance is uncertain. This variant has not been reported in the literature in individuals with VPS13B-related conditions. This variant is not present in population databases (ExAC no frequency). This sequence change replaces leucine with phenylalanine at codon 3087 of the VPS13B protein (p.Leu3087Phe). The leucine residue is moderately conserved and there is a small physicochemical difference between leucine and phenylalanine.